The following is an entry in ClinVar:

NM_001127644.2(GABRA1):c.914C>A (p.Pro305His)

Gene: GABRA1 (gamma-aminobutyric acid type A receptor subunit alpha1; plus strand). Cytogenetic location: 5q34.
Variant type: single nucleotide variant.
Coding change: c.914C>A on transcript NM_001127644.2 (MANE Select); coding-DNA position 914, C replaced by A.
Protein change: p.Pro305His; replaces proline 305 with histidine.
Molecular consequence: missense variant.
Genome position (GRCh38, 1-based): chr5:161,895,723, C>A. VCF-style: chr5-161895723-C-A. GRCh37 (hg19) VCF-style: chr5-161322729-C-A.
Other names: c.914C>A, p.Pro305His (NM_000806.5, NM_001127643.2, NM_001127645.2 and 1 more transcripts); short protein forms P305H.
Identifiers: ClinVar variation 3372175 (VCV003372175.2).

ClinVar aggregate classification (germline): Uncertain significance (1 of 4 stars; one submission).

Submission:

GeneDx
Classification: Uncertain significance. Last evaluated: 2025-07-10. Review status: criteria provided, single submitter. Criteria: GeneDx Variant Classification Process June 2021. Collection method: clinical testing. Allele origin: germline. Affected: yes.
Comment: Not observed at significant frequency in large population cohorts (gnomAD); In silico analysis supports that this missense variant has a deleterious effect on protein structure/function; Has not been previously published as pathogenic or benign to our knowledge